The following is an entry in ClinVar:

NM_001136472.2(LITAF):c.377+1716C>T

Gene: LITAF (lipopolysaccharide induced TNF factor; minus strand). Cytogenetic location: 16p13.13.
Variant type: single nucleotide variant.
Coding change: c.377+1716C>T on transcript NM_001136472.2 (MANE Select); 1716 bases into the intron after coding-DNA position 377, C replaced by T.
Molecular consequence: intron variant.
Genome position (GRCh38, 1-based): chr16:11,551,817, G>A on the plus strand (C>T on the coding strand, the complement: LITAF is on the minus strand). VCF-style: chr16-11551817-G-A. GRCh37 (hg19) VCF-style: chr16-11645673-G-A.
Other names: c.378-13C>T (NM_001136473.1); c.377+1716C>T (NM_004862.4).
Identifiers: ClinVar variation 681812 (VCV000681812.1), dbSNP rs115420663, ClinGen allele CA7904065.

ClinVar aggregate classification (germline): Likely benign (1 of 4 stars; one submission).

Allele frequency attached by ClinVar (database versions not stated): ExAC 0.00026; gnomAD exomes 0.00034 and 0.00069; gnomAD 0.00347 and 0.00362; 1000 Genomes Project 0.00359; TOPMed 0.00371; 1000 Genomes Project 30x 0.00375.
gnomAD v4.1: 679 of 596,340 alleles (0.11%); highest among the groups gnomAD compares: African/African-American, 1.1%; 5 homozygotes.

Submission:

GeneDx
Classification: Likely benign. Last evaluated: 2018-06-16. Review status: criteria provided, single submitter. Criteria: GeneDx Variant Classification (06012015). Collection method: clinical testing. Allele origin: germline. Affected: yes.
Comment: This variant is considered likely benign or benign based on one or more of the following criteria: it is a conservative change, it occurs at a poorly conserved position in the protein, it is predicted to be benign by multiple in silico algorithms, and/or has population frequency not consistent with disease.